The following is an entry in ClinVar:

NM_206933.4(USH2A):c.78T>C (p.Ala26=)

Gene: USH2A (usherin; minus strand). Cytogenetic location: 1q41.
Variant type: single nucleotide variant.
Coding change: c.78T>C on transcript NM_206933.4 (MANE Select); coding-DNA position 78, T replaced by C.
Protein change: p.Ala26=; no amino-acid change (alanine 26 retained).
Molecular consequence: synonymous variant.
Genome position (GRCh38, 1-based): chr1:216,422,259, A>G on the plus strand (T>C on the coding strand, the complement: USH2A is on the minus strand). VCF-style: chr1-216422259-A-G. GRCh37 (hg19) VCF-style: chr1-216595601-A-G.
Other names: c.78T>C, p.Ala26= (NM_007123.6).
Identifiers: ClinVar variation 48591 (VCV000048591.21), dbSNP rs59139861, ClinGen allele CA143611.

ClinVar aggregate classification (germline): Conflicting classifications of pathogenicity. Review status: criteria provided, conflicting classifications (1 of 4 stars). 6 submissions from 5 submitters: Uncertain significance (1); Benign (4); Likely benign (1). Last evaluated 2026-02-04.

Conditions:
Retinitis pigmentosa (RP). Identifiers: Orphanet 791, MedGen C0035334, MeSH D012174, MONDO:0019200, OMIM 268000. Inheritance: Autosomal dominant, autosomal recessive and X linked inheritance.
Usher syndrome type 2A. Also called: USHER SYNDROME, TYPE IIA; RETINAL DISEASE IN USHER SYNDROME TYPE IIA, MODIFIER OF. Identifiers: Orphanet 231178, Orphanet 886, MedGen C1848634, MONDO:0010169, OMIM 276901.

Allele frequency attached by ClinVar (database versions not stated): ESP Exome Variant Server 0.00484; gnomAD 0.00518 and 0.00539; 1000 Genomes Project 0.00599; 1000 Genomes Project 30x 0.00765; gnomAD exomes 0.00046 and 0.00125; ExAC 0.00159; TOPMed 0.00538.
gnomAD v4.1: 1,486 of 1,613,718 alleles (0.092%); highest among the groups gnomAD compares: African/African-American, 1.8%; 10 homozygotes.

Submissions (6):

Labcorp Genetics (formerly Invitae), Labcorp
Classification: Benign. Last evaluated: 2026-02-04. Review status: criteria provided, single submitter. Criteria: Invitae Variant Classification Sherloc (09022015). Collection method: clinical testing. Allele origin: germline.

Blueprint Genetics
Classification: Likely benign. Last evaluated: 2024-10-07. Review status: criteria provided, single submitter. Criteria: ACMG Guidelines, 2015. Collection method: clinical testing. Allele origin: germline.

Illumina Laboratory Services, Illumina
Classification: Benign for Usher syndrome type 2A. Last evaluated: 2017-04-27. Review status: criteria provided, single submitter. Criteria: ICSL Variant Classification Criteria 13 December 2019. Collection method: clinical testing. Allele origin: germline.
Comment: This variant was observed as part of a predisposition screen in an ostensibly healthy population. A literature search was performed for the gene, cDNA change, and amino acid change (where applicable). No publications were found based on this search. Allele frequency data from public databases was too high to be consistent with this variant causing disease. Therefore, this variant is classified as benign.

Illumina Laboratory Services, Illumina
Classification: Uncertain significance for Retinitis pigmentosa. Last evaluated: 2017-04-27. Review status: criteria provided, single submitter. Criteria: ICSL Variant Classification Criteria 13 December 2019. Collection method: clinical testing. Allele origin: germline.

Laboratory for Molecular Medicine, Mass General Brigham Personalized Medicine
Classification: Benign. Last evaluated: 2017-04-25. Review status: criteria provided, single submitter. Criteria: LMM Criteria. Collection method: clinical testing. Allele origin: germline. Observed: 8 variant alleles.
Comment: Ala26Ala in exon 2 of USH2A: This variant is not expected to have clinical signi ficance because it does not alter an amino acid residue, is not located near a s plice junction and has been identified in 1.8% (443/24026) of African chromosome s chromosomes by the Genome Aggregation Database (gnomAD; dbSNP rs59139861).

GeneDx
Classification: Benign. Last evaluated: 2015-03-03. Review status: criteria provided, single submitter. Criteria: GeneDx Variant Classification Process June 2021. Collection method: clinical testing. Allele origin: germline. Affected: yes.